The following is an entry in ClinVar:

ClinVar aggregate classification (germline): Uncertain significance. Review status: criteria provided, multiple submitters, no conflicts (2 of 4 stars). 2 submissions from 2 submitters: Uncertain significance (2). Last evaluated 2026-06-01.

Allele frequency attached by ClinVar (database versions not stated): gnomAD exomes below 0.00001.
gnomAD v4.1: 6 of 1,598,990 alleles (0.00038%); highest among the groups gnomAD compares: East Asian, 0.0022%; no homozygotes.

Submissions (2):

CeGaT Center for Human Genetics Tuebingen
Classification: Uncertain significance. Last evaluated: 2026-06-01. Review status: criteria provided, single submitter. Criteria: CeGaT Center For Human Genetics Tuebingen Variant Classification Criteria Version 2. Collection method: clinical testing. Allele origin: germline. Affected: yes. Observed: 1 variant allele.
Comment: ATP6V1A: PP3

Labcorp Genetics (formerly Invitae), Labcorp
Classification: Uncertain significance. Last evaluated: 2022-07-13. Review status: criteria provided, single submitter. Criteria: Invitae Variant Classification Sherloc (09022015). Collection method: clinical testing. Allele origin: germline.
Comment: This sequence change falls in intron 4 of the ATP6V1A gene. It does not directly change the encoded amino acid sequence of the ATP6V1A protein. It affects a nucleotide within the consensus splice site. This variant is present in population databases (no rsID available, gnomAD 0.006%). This variant has not been reported in the literature in individuals affected with ATP6V1A-related conditions. Variants that disrupt the consensus splice site are a relatively common cause of aberrant splicing (PMID: 17576681, 9536098). Algorithms developed to predict the effect of sequence changes on RNA splicing suggest that this variant may disrupt the consensus splice site. In summary, the available evidence is currently insufficient to determine the role of this variant in disease. Therefore, it has been classified as a Variant of Uncertain Significance.

Literature cited by the submitters: PubMed 17576681 (cited by Labcorp Genetics (formerly Invitae), Labcorp); PubMed 9536098 (cited by Labcorp Genetics (formerly Invitae), Labcorp).

NM_001690.4(ATP6V1A):c.426+3A>G

Gene: ATP6V1A (ATPase H+ transporting V1 subunit A; plus strand). Cytogenetic location: 3q13.31.
Variant type: single nucleotide variant.
Coding change: c.426+3A>G on transcript NM_001690.4 (MANE Select); 3 bases into the intron after coding-DNA position 426, A replaced by G.
Molecular consequence: intron variant.
Genome position (GRCh38, 1-based): chr3:113,784,441, A>G. VCF-style: chr3-113784441-A-G. GRCh37 (hg19) VCF-style: chr3-113503288-A-G.
Identifiers: ClinVar variation 2134253 (VCV002134253.6), dbSNP rs1448987638, ClinGen allele CA545960140.